The following is an entry in ClinVar:

ClinVar aggregate classification (germline): Uncertain significance (1 of 4 stars; one submission).

Submission:

GeneDx
Classification: Uncertain significance. Last evaluated: 2018-07-05. Review status: criteria provided, single submitter. Criteria: GeneDx Variant Classification (06012015). Collection method: clinical testing. Allele origin: germline. Affected: yes.
Comment: The P262S variant in the BCORL1 gene has not been reported previously as a pathogenic variant, nor as a benign variant, to our knowledge. The P262S variant was not observed in approximately 6500 individuals of European and African American ancestry in the NHLBI Exome Sequencing Project, indicating it is not a common benign variant in these populations. The P262S variant is a non-conservative amino acid substitution, which is likely to impact secondary protein structure as these residues differ in polarity, charge, size and/or other properties. This substitution occurs at a position that is not conserved and in silico analysis is inconsistent in its predictions as to whether or not the variant is damaging to the protein structure/function. We interpret P262S as a variant of uncertain significance

NM_001379451.1(BCORL1):c.784C>T (p.Pro262Ser)

Gene: BCORL1 (BCL6 corepressor like 1; plus strand). Cytogenetic location: Xq26.1.
Variant type: single nucleotide variant.
Coding change: c.784C>T on transcript NM_001379451.1 (MANE Select); coding-DNA position 784, C replaced by T.
Protein change: p.Pro262Ser; replaces proline 262 with serine.
Molecular consequence: missense variant.
Genome position (GRCh38, 1-based): chrX:130,013,556, C>T. VCF-style: chrX-130013556-C-T. GRCh37 (hg19) VCF-style: chrX-129147532-C-T.
Other names: c.784C>T, p.Pro262Ser (NM_001184772.3, NM_001379450.1, NM_021946.5); short protein forms P262S.
Identifiers: ClinVar variation 388023 (VCV000388023.2), dbSNP rs752320467, ClinGen allele CA16608734.
Genomic context (GRCh38, chrX:130,013,556, plus strand): 5'-GCCACTTCGGTTCCAGCTCCTTCCCCTCCCTTAGCACCTGTCCCGGCTCTGGCTCCAGCG[C>T]CACCGTCAGTGCCCACGCTCATCTCTGACTCGAACCCCCTTTCTGTTTCGGCCTCAGTCT-3'
Protein context (NP_001366380.1, residues 252-272): LAPVPALAPA[Pro262Ser]PSVPTLISDS